The following is an entry in ClinVar:

NM_000540.3(RYR1):c.13719C>T (p.Ala4573=)

Gene: RYR1 (ryanodine receptor 1; plus strand). Cytogenetic location: 19q13.2.
Variant type: single nucleotide variant.
Coding change: c.13719C>T on transcript NM_000540.3 (MANE Select); coding-DNA position 13719, C replaced by T.
Protein change: p.Ala4573=; no amino-acid change (alanine 4573 retained).
Molecular consequence: synonymous variant.
Genome position (GRCh38, 1-based): chr19:38,570,666, C>T. VCF-style: chr19-38570666-C-T. GRCh37 (hg19) VCF-style: chr19-39061306-C-T.
Other names: c.13704C>T, p.Ala4568= (NM_001042723.2).
Identifiers: ClinVar variation 3385608 (VCV003385608.1).
Genomic context (GRCh38, chr19:38,570,666, plus strand): 5'-GAACTACCTGTCCCGGAACTTTTACACCCTGCGGTTCCTTGCCCTCTTCTTGGCATTTGC[C>T]ATCAACTTCATCTTGCTGTTTTATAAGGTGCTGGTCCTGAAGGGCTGGGAGGGTCAGGCC-3'
Protein context (NP_000531.2, residues 4563-4583): LRFLALFLAF[Ala4573=]INFILLFYKV

ClinVar aggregate classification (germline): Likely benign (1 of 4 stars; one submission).

Conditions:
Malignant hyperthermia, susceptibility to, 1 (MHS1). Also called: Anesthesia related hyperthermia; Malignant hyperpyrexia; Fulminating hyperpyrexia; Pharmacogenic myopathy; Malignant hyperthermia suceptibility 1; RYR1-Related Malignant Hyperthermia Susceptibility. Identifiers: Orphanet 423, MedGen C2930980, MONDO:0007783, OMIM 145600.

Submission:

All of Us Research Program, National Institutes of Health
Classification: Likely benign for Malignant hyperthermia, susceptibility to, 1. Last evaluated: 2024-07-10. Review status: criteria provided, single submitter. Criteria: ACMG Guidelines, 2015. Collection method: clinical testing. Allele origin: germline. Inheritance: Autosomal dominant inheritance. Observed: 1 variant allele, 1 heterozygote.
Comment: This study involves interpretation of variants in research participants for the purpose of population health screening. Participant phenotype was not available at the time of variant classification. Additional details can be found in publication PMID: 35346344, PMCID: PMC8962531